The following is an entry in ClinVar:

NM_004646.4(NPHS1):c.2335-3C>T

Gene: NPHS1 (NPHS1 adhesion molecule, nephrin; minus strand). Cytogenetic location: 19q13.12.
Variant type: single nucleotide variant.
Coding change: c.2335-3C>T on transcript NM_004646.4 (MANE Select); 3 bases into the intron before coding-DNA position 2335, C replaced by T.
Molecular consequence: intron variant.
Genome position (GRCh38, 1-based): chr19:35,842,553, G>A on the plus strand (C>T on the coding strand, the complement: NPHS1 is on the minus strand). VCF-style: chr19-35842553-G-A. GRCh37 (hg19) VCF-style: chr19-36333455-G-A.
Identifiers: ClinVar variation 3711650 (VCV003711650.2).

ClinVar aggregate classification (germline): Uncertain significance (1 of 4 stars; one submission).

gnomAD v4.1: 16 of 1,613,782 alleles (0.00099%); highest among the groups gnomAD compares: Non-Finnish European, 0.0014%; no homozygotes.

Submission:

Labcorp Genetics (formerly Invitae), Labcorp
Classification: Uncertain significance. Last evaluated: 2024-08-05. Review status: criteria provided, single submitter. Criteria: Invitae Variant Classification Sherloc (09022015). Collection method: clinical testing. Allele origin: germline.
Comment: This sequence change falls in intron 17 of the NPHS1 gene. It does not directly change the encoded amino acid sequence of the NPHS1 protein. It affects a nucleotide within the consensus splice site. This variant is present in population databases (rs772028594, gnomAD 0.004%). This variant has not been reported in the literature in individuals affected with NPHS1-related conditions. Variants that disrupt the consensus splice site are a relatively common cause of aberrant splicing (PMID: 17576681, 9536098). Algorithms developed to predict the effect of sequence changes on RNA splicing suggest that this variant is not likely to affect RNA splicing. In summary, the available evidence is currently insufficient to determine the role of this variant in disease. Therefore, it has been classified as a Variant of Uncertain Significance.

Literature cited by the submitters: PubMed 17576681; PubMed 9536098.